The following is an entry in ClinVar:

NM_152393.4(KLHL40):c.1279C>A (p.Arg427Ser)

Gene: KLHL40 (kelch like family member 40; plus strand). Cytogenetic location: 3p22.1.
Variant type: single nucleotide variant.
Coding change: c.1279C>A on transcript NM_152393.4 (MANE Select); coding-DNA position 1279, C replaced by A.
Protein change: p.Arg427Ser; replaces arginine 427 with serine.
Molecular consequence: missense variant.
Genome position (GRCh38, 1-based): chr3:42,688,268, C>A. VCF-style: chr3-42688268-C-A. GRCh37 (hg19) VCF-style: chr3-42729760-C-A.
Other names: short protein forms R427S.
Identifiers: ClinVar variation 1902529 (VCV001902529.5), dbSNP rs577804609, ClinGen allele CA74193051.

ClinVar aggregate classification (germline): Uncertain significance (1 of 4 stars; one submission).

Conditions:
Nemaline myopathy 8 (NEM8). Also called: Nemaline myopathy 8, autosomal recessive. Identifiers: Orphanet 171430, MedGen C3809209, MONDO:0014138, OMIM 615348.

gnomAD v4.1: 2 of 1,613,852 alleles (0.00012%); highest among the groups gnomAD compares: Non-Finnish European, 0.00017%; no homozygotes.

Submission:

Labcorp Genetics (formerly Invitae), Labcorp
Classification: Uncertain significance for Nemaline myopathy 8. Last evaluated: 2022-02-06. Review status: criteria provided, single submitter. Criteria: Invitae Variant Classification Sherloc (09022015). Collection method: clinical testing. Allele origin: germline.
Comment: This sequence change replaces arginine, which is basic and polar, with serine, which is neutral and polar, at codon 427 of the KLHL40 protein (p.Arg427Ser). This variant is not present in population databases (gnomAD no frequency). This variant has not been reported in the literature in individuals affected with KLHL40-related conditions. Algorithms developed to predict the effect of missense changes on protein structure and function output the following: SIFT: "Tolerated"; PolyPhen-2: "Benign"; Align-GVGD: "Class C0". The serine amino acid residue is found in multiple mammalian species, which suggests that this missense change does not adversely affect protein function. In summary, the available evidence is currently insufficient to determine the role of this variant in disease. Therefore, it has been classified as a Variant of Uncertain Significance.